The following is an entry in ClinVar:

NM_001303256.3(MORC2):c.2379A>T (p.Lys793Asn)

Gene: MORC2 (MORC family CW-type zinc finger 2; minus strand). Cytogenetic location: 22q12.2.
Variant type: single nucleotide variant.
Coding change: c.2379A>T on transcript NM_001303256.3 (MANE Select); coding-DNA position 2379, A replaced by T.
Protein change: p.Lys793Asn; replaces lysine 793 with asparagine.
Molecular consequence: missense variant.
Genome position (GRCh38, 1-based): chr22:30,933,467, T>A on the plus strand (A>T on the coding strand, the complement: MORC2 is on the minus strand). VCF-style: chr22-30933467-T-A. GRCh37 (hg19) VCF-style: chr22-31329454-T-A.
Other names: c.2379A>T, p.Lys793Asn (NM_001303257.2); c.2193A>T, p.Lys731Asn (NM_014941.3); short protein forms K731N, K793N.
Identifiers: ClinVar variation 940745 (VCV000940745.13), dbSNP rs2040606407, ClinGen allele CA411232634.

ClinVar aggregate classification (germline): Uncertain significance. Review status: criteria provided, multiple submitters, no conflicts (2 of 4 stars). 3 submissions from 3 submitters: Uncertain significance (3). Last evaluated 2026-04-01.

Conditions:
Charcot-Marie-Tooth disease axonal type 2Z. Also called: CHARCOT-MARIE-TOOTH DISEASE, AXONAL, AUTOSOMAL DOMINANT, TYPE 2Z; CHARCOT-MARIE-TOOTH NEUROPATHY, TYPE 2Z. Identifiers: Orphanet 466768, MedGen C5569025, MONDO:0014736, OMIM 616688.

gnomAD v4.1: 4 of 1,613,520 alleles (0.00025%); highest among the groups gnomAD compares: Non-Finnish European, 0.00025%; no homozygotes.

Submissions (3):

CeGaT Center for Human Genetics Tuebingen
Classification: Uncertain significance. Last evaluated: 2026-04-01. Review status: criteria provided, single submitter. Criteria: CeGaT Center For Human Genetics Tuebingen Variant Classification Criteria Version 2. Collection method: clinical testing. Allele origin: germline. Affected: yes. Observed: 1 variant allele.

Women's Health and Genetics/Laboratory Corporation of America, LabCorp
Classification: Uncertain significance. Last evaluated: 2025-10-23. Review status: criteria provided, single submitter. Criteria: LabCorp Variant Classification Summary - May 2015. Collection method: clinical testing. Allele origin: germline.
Comment: Variant summary: MORC2 c.2379A>T (p.Lys793Asn) results in a non-conservative amino acid change in the encoded protein sequence. Algorithms developed to predict the effect of missense changes on protein structure and function are either unavailable or do not agree on the potential impact of this missense change. Consensus agreement among computation tools predict no significant impact on normal splicing. However, these predictions have yet to be confirmed by functional studies. The variant was absent in 251224 control chromosomes. The available data on variant occurrences in the general population are insufficient to allow any conclusion about variant significance. To our knowledge, no occurrence of c.2379A>T in individuals affected with MORC2-related conditions and no experimental evidence demonstrating its impact on protein function have been reported. ClinVar contains an entry for this variant (Variation ID: 940745). Based on the evidence outlined above, the variant was classified as uncertain significance.

Labcorp Genetics (formerly Invitae), Labcorp
Classification: Uncertain significance for Charcot-Marie-Tooth disease axonal type 2Z. Last evaluated: 2022-02-03. Review status: criteria provided, single submitter. Criteria: Invitae Variant Classification Sherloc (09022015). Collection method: clinical testing. Allele origin: germline.
Comment: In summary, the available evidence is currently insufficient to determine the role of this variant in disease. Therefore, it has been classified as a Variant of Uncertain Significance. Algorithms developed to predict the effect of missense changes on protein structure and function are either unavailable or do not agree on the potential impact of this missense change (SIFT: "Not Available"; PolyPhen-2: "Possibly Damaging"; Align-GVGD: "Not Available"). ClinVar contains an entry for this variant (Variation ID: 940745). This variant has not been reported in the literature in individuals affected with MORC2-related conditions. This variant is not present in population databases (gnomAD no frequency). This sequence change replaces lysine, which is basic and polar, with asparagine, which is neutral and polar, at codon 793 of the MORC2 protein (p.Lys793Asn).